The following is an entry in ClinVar:

ClinVar aggregate classification (germline): Conflicting classifications of pathogenicity. Review status: criteria provided, conflicting classifications (1 of 4 stars). 6 submissions from 6 submitters: Uncertain significance (1); Benign (3); Likely benign (1). 1 of the submissions does not count toward it. Last evaluated 2026-01-27.

Conditions:
Kabuki syndrome. Also called: Kabuki make-up syndrome; NIIKAWA-KUROKI SYNDROME. Identifiers: Orphanet 2322, MedGen C0796004, MONDO:0016512.
Kabuki syndrome 1 (KABUK1). Also called: KMT2D-Related Kabuki Syndrome. Identifiers: Orphanet 2322, MedGen CN030661, MONDO:0007843, OMIM 147920.

Allele frequency attached by ClinVar (database versions not stated): gnomAD 0.00025 and 0.00045; gnomAD exomes 0.00044 and 0.00098; TOPMed 0.00051; ExAC 0.00105; 1000 Genomes Project 30x 0.00156; 1000 Genomes Project 0.00200.
gnomAD v4.1: 718 of 1,611,872 alleles (0.045%); highest among the groups gnomAD compares: East Asian, 1.4%; 6 homozygotes.

Submissions (6):

Labcorp Genetics (formerly Invitae), Labcorp
Classification: Benign for Kabuki syndrome. Last evaluated: 2026-01-27. Review status: criteria provided, single submitter. Criteria: Invitae Variant Classification Sherloc (09022015). Collection method: clinical testing. Allele origin: germline.

Blueprint Genetics
Classification: Likely benign. Last evaluated: 2024-09-16. Review status: criteria provided, single submitter. Criteria: ACMG Guidelines, 2015. Collection method: clinical testing. Allele origin: germline.

GeneDx
Classification: Benign. Last evaluated: 2020-11-09. Review status: criteria provided, single submitter. Criteria: GeneDx Variant Classification Process June 2021. Collection method: clinical testing. Allele origin: germline. Affected: yes.
Comment: This variant is associated with the following publications: (PMID: 31935506, 30459467, 29707407)

Center for Pediatric Genomic Medicine, Children's Mercy Hospital and Clinics
Classification: Benign. Last evaluated: 2017-08-02. Review status: criteria provided, single submitter. Criteria: ACMG Guidelines, 2015. Collection method: clinical testing. Allele origin: germline.

Genetic Services Laboratory, University of Chicago
Classification: Uncertain significance for Kabuki syndrome 1. Last evaluated: 2013-03-04. Review status: criteria provided, single submitter. Criteria: ACMG Guidelines, 2007. Collection method: clinical testing. Allele origin: germline. Inheritance: Autosomal dominant inheritance.

ITMI
No classification provided. Condition: AllHighlyPenetrant. Last evaluated: 2013-09-19. Review status: no classification provided. Collection method: reference population. Allele origin: germline. Not counted in ClinVar's aggregate classification.
Comment: Please see associated publication for description of ethnicities

Literature cited by the submitters: PubMed 24728327 (cited by ITMI).

NM_003482.4(KMT2D):c.15671G>A (p.Arg5224His)

Gene: KMT2D (lysine methyltransferase 2D; minus strand). Cytogenetic location: 12q13.12.
Variant type: single nucleotide variant.
Coding change: c.15671G>A on transcript NM_003482.4 (MANE Select); coding-DNA position 15671, G replaced by A.
Protein change: p.Arg5224His; replaces arginine 5224 with histidine.
Molecular consequence: missense variant.
Genome position (GRCh38, 1-based): chr12:49,026,295, C>T on the plus strand (G>A on the coding strand, the complement: KMT2D is on the minus strand). VCF-style: chr12-49026295-C-T. GRCh37 (hg19) VCF-style: chr12-49420078-C-T.
Other names: short protein forms R5224H.
Identifiers: ClinVar variation 134730 (VCV000134730.20), dbSNP rs3782356, ClinGen allele CA160631.
Genomic context (GRCh38, chr12:49,026,295, plus strand): 5'-TTGATTACAAACTCCGGCCGCCCGTTGTTCTCACCAATAGAACAGCGATAGCAGCAGCGA[C>T]GATTGTTGGTGCGGAGGCTCCAATAGATGCGCGTGGCCTCGTAGCCCACGGGATAGAGGG-3'
Protein context (NP_003473.3, residues 5214-5234): RIYWSLRTNN[Arg5224His]RCCYRCSIGE